The following is an entry in ClinVar:

NM_003842.5(TNFRSF10B):c.279T>C (p.Asp93=)

Gene: TNFRSF10B (TNF receptor superfamily member 10b; minus strand). Cytogenetic location: 8p21.3.
Variant type: single nucleotide variant.
Coding change: c.279T>C on transcript NM_003842.5 (MANE Select); coding-DNA position 279, T replaced by C.
Protein change: p.Asp93=; no amino-acid change (aspartic acid 93 retained).
Molecular consequence: synonymous variant. On other transcripts: non-coding transcript variant (1).
Genome position (GRCh38, 1-based): chr8:23,030,844, A>G on the plus strand (T>C on the coding strand, the complement: TNFRSF10B is on the minus strand). VCF-style: chr8-23030844-A-G. GRCh37 (hg19) VCF-style: chr8-22888357-A-G.
Other names: c.279T>C, p.Asp93= (NM_147187.3).
Identifiers: ClinVar variation 3040322 (VCV003040322.2), dbSNP rs78553663, ClinGen allele CA4673415.

ClinVar aggregate classification (germline): Likely benign (0 of 4 stars; one submission).

Conditions:
TNFRSF10B-related disorder. Also called: TNFRSF10B-related condition.

Allele frequency attached by ClinVar (database versions not stated): gnomAD exomes 0.00017; ExAC 0.00065; gnomAD 0.00201; 1000 Genomes Project 30x 0.00203; TOPMed 0.00227; 1000 Genomes Project 0.00240; ESP Exome Variant Server 0.00284.

Submission:

PreventionGenetics, part of Exact Sciences
Classification: Likely benign for TNFRSF10B-related condition. Last evaluated: 2019-10-28. Review status: no assertion criteria provided. Collection method: clinical testing. Allele origin: germline.
Comment: This variant is classified as likely benign based on ACMG/AMP sequence variant interpretation guidelines (Richards et al. 2015 PMID: 25741868, with internal and published modifications).